The following is an entry in ClinVar:

ClinVar aggregate classification (germline): Uncertain significance (1 of 4 stars; one submission).

Submission:

GeneDx
Classification: Uncertain significance. Last evaluated: 2021-12-27. Review status: criteria provided, single submitter. Criteria: GeneDx Variant Classification Process June 2021. Collection method: clinical testing. Allele origin: germline. Affected: yes.
Comment: Not observed at significant frequency in large population cohorts (gnomAD); In silico analysis supports that this missense variant has a deleterious effect on protein structure/function; Has not been previously published as pathogenic or benign to our knowledge

NM_182641.4(BPTF):c.5588G>A (p.Arg1863Gln)

Gene: BPTF (bromodomain PHD finger transcription factor; plus strand). Cytogenetic location: 17q24.2.
Variant type: single nucleotide variant.
Coding change: c.5588G>A on transcript NM_182641.4 (MANE Select); coding-DNA position 5588, G replaced by A.
Protein change: p.Arg1863Gln; replaces arginine 1863 with glutamine.
Molecular consequence: missense variant.
Genome position (GRCh38, 1-based): chr17:67,922,870, G>A. VCF-style: chr17-67922870-G-A. GRCh37 (hg19) VCF-style: chr17-65918986-G-A.
Other names: c.5966G>A, p.Arg1989Gln (NM_004459.7); short protein forms R1863Q, R1989Q.
Identifiers: ClinVar variation 1334347 (VCV001334347.2), dbSNP rs2147247479, ClinGen allele CA400733725.